The following is an entry in ClinVar:

NM_014975.3(MAST1):c.3137A>T (p.Lys1046Met)

Gene: MAST1 (microtubule associated serine/threonine kinase 1; plus strand). Cytogenetic location: 19p13.13.
Variant type: single nucleotide variant.
Coding change: c.3137A>T on transcript NM_014975.3 (MANE Select); coding-DNA position 3137, A replaced by T.
Protein change: p.Lys1046Met; replaces lysine 1046 with methionine.
Molecular consequence: missense variant.
Genome position (GRCh38, 1-based): chr19:12,871,046, A>T. VCF-style: chr19-12871046-A-T. GRCh37 (hg19) VCF-style: chr19-12981860-A-T.
Other names: c.3137A>T (NM_014975.2); short protein forms K1046M.
Identifiers: ClinVar variation 2162157 (VCV002162157.5), dbSNP rs778491124, ClinGen allele CA9233328.

ClinVar aggregate classification (germline): Conflicting classifications of pathogenicity. Review status: criteria provided, conflicting classifications (1 of 4 stars). 2 submissions from 2 submitters: Uncertain significance (1); Likely benign (1). Last evaluated 2025-10-07.

Conditions:
Inborn genetic diseases. Identifiers: MedGen C0950123, MeSH D030342.

Allele frequency attached by ClinVar (database versions not stated): TOPMed 0.00002; gnomAD exomes 0.00004; ExAC 0.00007.
gnomAD v4.1: 21 of 1,614,196 alleles (0.0013%); highest among the groups gnomAD compares: Admixed American, 0.035%; no homozygotes.

Submissions (2):

Ambry Genetics
Classification: Likely benign for Inborn genetic diseases. Last evaluated: 2025-10-07. Review status: criteria provided, single submitter. Criteria: Ambry Variant Classification Scheme 2023. Collection method: clinical testing. Allele origin: germline.

Labcorp Genetics (formerly Invitae), Labcorp
Classification: Uncertain significance. Last evaluated: 2024-11-05. Review status: criteria provided, single submitter. Criteria: Invitae Variant Classification Sherloc (09022015). Collection method: clinical testing. Allele origin: germline.
Comment: This sequence change replaces lysine, which is basic and polar, with methionine, which is neutral and non-polar, at codon 1046 of the MAST1 protein (p.Lys1046Met). This variant is present in population databases (rs778491124, gnomAD 0.06%), and has an allele count higher than expected for a pathogenic variant. This variant has not been reported in the literature in individuals affected with MAST1-related conditions. ClinVar contains an entry for this variant (Variation ID: 2162157). An algorithm developed to predict the effect of missense changes on protein structure and function (PolyPhen-2) suggests that this variant is likely to be disruptive. In summary, the available evidence is currently insufficient to determine the role of this variant in disease. Therefore, it has been classified as a Variant of Uncertain Significance.